The following is an entry in ClinVar:

ClinVar aggregate classification (germline): Pathogenic. Review status: criteria provided, multiple submitters, no conflicts (2 of 4 stars). 3 submissions from 3 submitters: Pathogenic (2). 1 of the submissions does not count toward it. Last evaluated 2024-01-19.

Conditions:
Familial long QT syndrome (RWS). Also called: Congenital long QT syndrome; Romano-Ward syndrome; VENTRICULAR FIBRILLATION WITH PROLONGED QT INTERVAL. Identifiers: Orphanet 768, MedGen C1141890, MONDO:0019171.
Long QT syndrome (LQTS). Identifiers: MedGen C0023976, MeSH D008133, MONDO:0002442. Disease mechanism: loss of function. Inheritance: Various modes of inheritance.

Submissions (3):

Labcorp Genetics (formerly Invitae), Labcorp
Classification: Pathogenic for Long QT syndrome. Last evaluated: 2024-01-19. Review status: criteria provided, single submitter. Criteria: Invitae Variant Classification Sherloc (09022015). Collection method: clinical testing. Allele origin: germline.
Comment: This sequence change replaces asparagine, which is neutral and polar, with threonine, which is neutral and polar, at codon 629 of the KCNH2 protein (p.Asn629Thr). This variant is not present in population databases (gnomAD no frequency). This missense change has been observed in individuals with long QT syndrome (PMID: 17905336; Invitae). ClinVar contains an entry for this variant (Variation ID: 67314). An algorithm developed to predict the effect of missense changes on protein structure and function (PolyPhen-2) suggests that this variant is likely to be disruptive. Experimental studies have shown that this missense change affects KCNH2 function (PMID: 19841300, 22573844, 25348405). This variant disrupts the p.Asn629 amino acid residue in KCNH2. Other variant(s) that disrupt this residue have been observed in individuals with KCNH2-related conditions (PMID: 9544837, 10517660, 18808722, 22949429), which suggests that this may be a clinically significant amino acid residue. For these reasons, this variant has been classified as Pathogenic.

GeneDx
Classification: Pathogenic. Last evaluated: 2015-08-10. Review status: criteria provided, single submitter. Criteria: GeneDx Variant Classification (06012015). Collection method: clinical testing. Allele origin: germline. Affected: yes.
Comment: N629T results in a conservative amino acid substitution at a position that is conserved across species. In silico analysis predicts this variant is probably damaging to the protein structure/function. Moreover, pathogenic variants affecting this same residue, (N629S, N629I, N629K, N629D) and nearby residues (G628R, G628A, G628S, G628V, V630A, V630L) in the highly conserved pore region have been reported in the Human Gene Mutation Database in association with LQTS (Stenson P et al., 2014), further supporting the functional importance of this residue and this region of the protein. Furthermore, N629T was not observed in approximately 6,500 individuals of European and African American ancestry in the NHLBI Exome Sequencing Project, indicating it is not a common benign variant in these populations. In summary, N629T in the KCNH2 gene is interpreted as a pathogenic variant.

Cardiovascular Biomedical Research Unit, Royal Brompton & Harefield NHS Foundation Trust
No classification provided. Condition: Familial long QT syndrome. Review status: no classification provided. Collection method: literature only. Allele origin: germline. Not counted in ClinVar's aggregate classification.
Comment: This variant has been reported as associated with Long QT syndrome in the following publications (PMID:17905336). This is a literature report, and does not necessarily reflect the clinical interpretation of the Imperial College / Royal Brompton Cardiovascular Genetics laboratory.

Literature cited by the submitters: PubMed 17905336 (cited by Labcorp Genetics (formerly Invitae), Labcorp and Cardiovascular Biomedical Research Unit, Royal Brompton & Harefield NHS Foundation Trust); PubMed 19841300 (cited by Labcorp Genetics (formerly Invitae), Labcorp); PubMed 22573844 (cited by Labcorp Genetics (formerly Invitae), Labcorp); PubMed 25348405 (cited by Labcorp Genetics (formerly Invitae), Labcorp); PubMed 9544837 (cited by Labcorp Genetics (formerly Invitae), Labcorp); PubMed 10517660 (cited by Labcorp Genetics (formerly Invitae), Labcorp); PubMed 18808722 (cited by Labcorp Genetics (formerly Invitae), Labcorp); PubMed 22949429 (cited by Labcorp Genetics (formerly Invitae), Labcorp); PubMed 22581653 (cited by Cardiovascular Biomedical Research Unit, Royal Brompton & Harefield NHS Foundation Trust).

NM_000238.4(KCNH2):c.1886A>C (p.Asn629Thr)

Gene: KCNH2 (potassium voltage-gated channel subfamily H member 2; minus strand). Cytogenetic location: 7q36.1.
Variant type: single nucleotide variant.
Coding change: c.1886A>C on transcript NM_000238.4 (MANE Select); coding-DNA position 1886, A replaced by C.
Protein change: p.Asn629Thr; replaces asparagine 629 with threonine.
Molecular consequence: missense variant.
Genome position (GRCh38, 1-based): chr7:150,951,507, T>G on the plus strand (A>C on the coding strand, the complement: KCNH2 is on the minus strand). VCF-style: chr7-150951507-T-G. GRCh37 (hg19) VCF-style: chr7-150648595-T-G.
Other names: c.1886A>C (LRG_288t1); c.866A>C, p.Asn289Thr (NM_001204798.2, NM_172057.3); c.1598A>C, p.Asn533Thr (NM_001406753.1, NM_001406756.1); c.1709A>C, p.Asn570Thr (NM_001406755.1); c.1586A>C, p.Asn529Thr (NM_001406757.1); c.1886A>C, p.Asn629Thr (NM_172056.3); short protein forms N289T, N629T, N533T, N529T, N570T.
Identifiers: ClinVar variation 67314 (VCV000067314.9), dbSNP rs199472957, ClinGen allele CA005846.